The following is an entry in ClinVar:

NM_000038.6(APC):c.7497T>C (p.Val2499=)

Gene: APC (APC regulator of Wnt signaling pathway; plus strand). Cytogenetic location: 5q22.2.
Variant type: single nucleotide variant.
Coding change: c.7497T>C on transcript NM_000038.6 (MANE Select); coding-DNA position 7497, T replaced by C.
Protein change: p.Val2499=; no amino-acid change (valine 2499 retained).
Molecular consequence: synonymous variant.
Genome position (GRCh38, 1-based): chr5:112,843,091, T>C. VCF-style: chr5-112843091-T-C. GRCh37 (hg19) VCF-style: chr5-112178788-T-C.
Other names: c.7497T>C, p.Val2499= (NM_001127510.3, NM_001354895.2); c.7443T>C, p.Val2481= (NM_001127511.3); c.7551T>C, p.Val2517= (NM_001354896.2); c.7527T>C, p.Val2509= (NM_001354897.2); c.7422T>C, p.Val2474= (NM_001354898.2); c.7413T>C, p.Val2471= (NM_001354899.2); c.7374T>C, p.Val2458= (NM_001354900.2); c.7320T>C, p.Val2440= (NM_001354901.2); and 5 more.
Identifiers: ClinVar variation 470094 (VCV000470094.15), dbSNP rs1554088406, ClinGen allele CA446210853.

ClinVar aggregate classification (germline): Benign/Likely benign. Review status: criteria provided, multiple submitters, no conflicts (2 of 4 stars). 4 submissions from 4 submitters: Benign (1); Likely benign (3). Last evaluated 2025-02-02.

Conditions:
Familial adenomatous polyposis 1 (FAP1). Also called: POLYPOSIS, ADENOMATOUS INTESTINAL; FAMILIAL ADENOMATOUS POLYPOSIS 1, ATTENUATED. Identifiers: MedGen C2713442, MONDO:0021056, OMIM 175100. Disease mechanism: loss of function.
Hereditary cancer-predisposing syndrome. Also called: Hereditary neoplastic syndrome; Neoplastic Syndromes, Hereditary; Tumor predisposition; Hereditary Cancer Syndrome. Identifiers: Orphanet 140162, MedGen C0027672, MeSH D009386, MONDO:0015356.

Submissions (4):

Labcorp Genetics (formerly Invitae), Labcorp
Classification: Likely benign for Familial adenomatous polyposis 1. Last evaluated: 2025-02-02. Review status: criteria provided, single submitter. Criteria: Invitae Variant Classification Sherloc (09022015). Collection method: clinical testing. Allele origin: germline.

Myriad Genetics, Inc.
Classification: Benign for Familial adenomatous polyposis 1. Last evaluated: 2024-04-09. Review status: criteria provided, single submitter. Criteria: Myriad Autosomal Dominant, Autosomal Recessive and X-Linked Classification Criteria (2023). Collection method: clinical testing. Allele origin: unknown.
Comment: This variant is considered benign. This variant is a silent/synonymous amino acid change and it is not expected to impact splicing.

Ambry Genetics
Classification: Likely benign for Hereditary cancer-predisposing syndrome. Last evaluated: 2019-12-15. Review status: criteria provided, single submitter. Criteria: Ambry Variant Classification Scheme 2023. Collection method: clinical testing. Allele origin: germline.

Color Diagnostics, LLC DBA Color Health
Classification: Likely benign for Hereditary cancer-predisposing syndrome. Last evaluated: 2019-03-11. Review status: criteria provided, single submitter. Criteria: ACMG Guidelines, 2015. Collection method: clinical testing. Allele origin: germline.